The following is an entry in ClinVar:

NM_001267550.2(TTN):c.64673-2A>G

Genes: TTN (titin; minus strand), TTN-AS1 (TTN antisense RNA 1; plus strand). Cytogenetic location: 2q31.2.
Variant type: single nucleotide variant.
Coding change: c.64673-2A>G on transcript NM_001267550.2 (MANE Select); the canonical splice acceptor site of the intron before coding-DNA position 64673, A replaced by G.
Molecular consequence: splice acceptor variant. On other transcripts: non-coding transcript variant (1).
Genome position (GRCh38, 1-based): chr2:178,584,970, T>C on the plus strand (A>G on the coding strand, the complement: TTN is on the minus strand). VCF-style: chr2-178584970-T-C. GRCh37 (hg19) VCF-style: chr2-179449697-T-C.
Other names: c.37478-2A>G (NM_003319.4); c.38054-2A>G (NM_133437.4); c.37853-2A>G (NM_133432.3); c.56969-2A>G (NM_133378.4); c.59750-2A>G (NM_001256850.1).
Identifiers: ClinVar variation 1493270 (VCV001493270.15), dbSNP rs2154180194, ClinGen allele CA349438497.

ClinVar aggregate classification (germline): Conflicting classifications of pathogenicity. Review status: criteria provided, conflicting classifications (1 of 4 stars). 5 submissions from 5 submitters: Likely pathogenic (2); Uncertain significance (2). 1 of the submissions does not count toward it. Last evaluated 2026-10-20.

Conditions:
Cardiovascular phenotype. Identifiers: MedGen CN230736.
TTN-related disorder. Also called: TTN-related condition; TTN-related disease; TTN-related disorders.
Autosomal recessive limb-girdle muscular dystrophy type 2J (LGMDR10). Also called: MUSCULAR DYSTROPHY, LIMB-GIRDLE, AUTOSOMAL RECESSIVE 10; Limb-girdle muscular dystrophy, type 2J. Identifiers: Orphanet 140922, MedGen C1837342, MONDO:0012127, OMIM 608807.
Dilated cardiomyopathy 1G (CMD1G). Identifiers: Orphanet 154, MedGen C1858763, MONDO:0011400, OMIM 604145.

Submissions (5):

GeneDx
Classification: Likely pathogenic. Last evaluated: 2026-10-20. Review status: criteria provided, single submitter. Criteria: GeneDx Variant Classification Process June 2021. Collection method: clinical testing. Allele origin: germline.
Comment: Reported in an individual with DCM in published literature who harbored additional cardiogenetic variants (PMID: 39135814); Not observed at significant frequency in large population cohorts (gnomAD); Canonical splice site variant predicted to result in an in-frame loss of the adjacent exon in a gene for which loss of function is a known mechanism of disease; Located in the A-band, a region of TTN for which truncating variants are significantly associated with autosomal dominant cardiomyopathy and also with autosomal recessive skeletal myopathies (PMID: 22335739, 32778822); This variant is associated with the following publications: (PMID: 39135814, 22335739, 32778822)

Mayo Clinic Laboratories, Mayo Clinic
Classification: Uncertain significance. Last evaluated: 2025-02-23. Review status: criteria provided, single submitter. Criteria: ACMG Guidelines, 2015. Collection method: clinical testing. Allele origin: germline. Observed: 1 variant allele.
Comment: PM2_supporting, PVS1_moderate

Ambry Genetics
Classification: Uncertain significance for Cardiovascular phenotype. Last evaluated: 2023-12-22. Review status: criteria provided, single submitter. Criteria: Ambry Variant Classification Scheme 2023. Collection method: clinical testing. Allele origin: germline.
Comment: The c.37478-2A>G intronic variant results from an A to G substitution two nucleotides upstream from coding exon 137 in the TTN gene. Coding exon 137 is located in the A-band region of the N2-B isoform of the titin protein and is constitutively expressed in TTN transcripts (percent spliced in or PSI 100%). This nucleotide position is highly conserved in available vertebrate species. In silico splice site analysis predicts that this alteration will weaken the native splice acceptor site and will result in the creation or strengthening of a novel splice acceptor site. This alteration disrupts the canonical splice site and is expected to cause aberrant splicing. However, although direct evidence is unavailable, this alteration is predicted to result in an in-frame transcript that is not expected to trigger nonsense-mediated mRNA decay. The exact functional effect of the predicted splice impact is unknown. Since supporting evidence is limited at this time, the clinical significance of this alteration remains unclear.

Labcorp Genetics (formerly Invitae), Labcorp
Classification: Likely pathogenic for Dilated cardiomyopathy 1G; Autosomal recessive limb-girdle muscular dystrophy type 2J. Last evaluated: 2023-06-01. Review status: criteria provided, single submitter. Criteria: Invitae Variant Classification Sherloc (09022015). Collection method: clinical testing. Allele origin: germline.
Comment: ClinVar contains an entry for this variant (Variation ID: 1493270). This variant has not been reported in the literature in individuals affected with TTN-related conditions. This variant is not present in population databases (gnomAD no frequency). This sequence change affects an acceptor splice site in intron 309 of the TTN gene. It is expected to disrupt RNA splicing and likely results in a truncated or disrupted TTN protein. Algorithms developed to predict the effect of sequence changes on RNA splicing suggest that this variant may disrupt the consensus splice site. In summary, the currently available evidence indicates that the variant is pathogenic, but additional data are needed to prove that conclusively. Therefore, this variant has been classified as Likely Pathogenic. This variant is located in the A band of TTN (PMID: 25589632). Truncating variants in this region are significantly overrepresented in patients affected with dilated cardiomyopathy (PMID: 25589632). Truncating variants in this region have also been reported in individuals affected with autosomal recessive centronuclear myopathy (PMID: 23975875).

PreventionGenetics, part of Exact Sciences
Classification: Likely pathogenic for TTN-related condition. Last evaluated: 2024-02-28. Review status: no assertion criteria provided. Collection method: clinical testing. Allele origin: germline. Not counted in ClinVar's aggregate classification.
Comment: The TTN c.64673-2A>G variant is predicted to disrupt the AG splice acceptor site and interfere with normal splicing. To our knowledge, this variant has not been reported in the literature or in a large population database, indicating this variant is rare. This variant is located in the A-band region of the TTN protein in which truncating TTN variants have been found more frequently in dilated cardiomyopathy patients than in controls (Herman et al. 2012. PubMed ID: 22335739). RNAseq studies from heart tissue indicate the adjacent exon is commonly included in TTN mRNA transcripts (PSI of 91%-100%, Roberts et al. 2015. PubMed ID: 25589632). TTN truncating variants are reported in 1-2% of presumably healthy individuals, but occur more frequently in exons with low PSI values (Roberts et al. 2015. PubMed ID: 25589632; Herman et al. 2012. PubMed ID: 22335739). Many cases of severe recessive TTN-related myopathies in which the individual is compound heterozygous for two loss of function variants in TTN have also been reported (See Ceyhan-Birsoy et al. 2013. PubMed ID: 23975875; Chauveau et al. 2014. PubMed ID: 24105469; Evilä et al. 2016. PubMed ID:27796757; Ge et al. 2019. PubMed ID: 31053406; Oates et al. 2018. PubMed ID: 29691892; Bryen et al. 2020. PubMed ID: 31660661). In summary, we classify this variant as likely pathogenic. Of note, this variant is considered likely pathogenic for increased risk of TTN-related cardiac disorders, and also for autosomal recessive severe congenital titinopathies when in the presence of an additional loss-of-function TTN variant.

Literature cited by the submitters: PubMed 25589632 (cited by Labcorp Genetics (formerly Invitae), Labcorp); PubMed 23975875 (cited by Labcorp Genetics (formerly Invitae), Labcorp).